The following is an entry in ClinVar:

NM_018192.4(P3H2):c.1213C>T (p.Arg405Ter)

Gene: P3H2 (prolyl 3-hydroxylase 2; minus strand). Cytogenetic location: 3q28.
Variant type: single nucleotide variant.
Coding change: c.1213C>T on transcript NM_018192.4 (MANE Select); coding-DNA position 1213, C replaced by T.
Protein change: p.Arg405Ter; replaces arginine 405 with a stop codon.
Molecular consequence: nonsense.
Genome position (GRCh38, 1-based): chr3:189,984,566, G>A on the plus strand (C>T on the coding strand, the complement: P3H2 is on the minus strand). VCF-style: chr3-189984566-G-A. GRCh37 (hg19) VCF-style: chr3-189702355-G-A.
Other names: c.670C>T, p.Arg224Ter (NM_001134418.2); short protein forms R405*, R224*.
Identifiers: ClinVar variation 812364 (VCV000812364.10), dbSNP rs377600857, ClinGen allele CA2753027.

ClinVar aggregate classification (germline): Pathogenic/Likely pathogenic. Review status: criteria provided, multiple submitters, no conflicts (2 of 4 stars). 7 submissions from 7 submitters: Pathogenic (3); Likely pathogenic (3). 1 of the submissions does not count toward it. Last evaluated 2025-01-23.

Conditions:
P3H2-related disorders.
Myopia, high, with cataract and vitreoretinal degeneration (MCVD). Identifiers: MedGen C3280346, MONDO:0013670, OMIM 614292.
Retinitis pigmentosa (RP). Identifiers: Orphanet 791, MedGen C0035334, MeSH D012174, MONDO:0019200, OMIM 268000. Inheritance: Autosomal dominant, autosomal recessive and X linked inheritance.

Allele frequency attached by ClinVar (database versions not stated): gnomAD exomes 0.00001 and 0.00002; ExAC 0.00003; gnomAD 0.00003; TOPMed 0.00003; ESP Exome Variant Server 0.00008.

Submissions (7):

GeneDx
Classification: Pathogenic. Last evaluated: 2025-01-23. Review status: criteria provided, single submitter. Criteria: GeneDx Variant Classification Process June 2021. Collection method: clinical testing. Allele origin: germline. Affected: yes.
Comment: Reported in association with inherited retinal disease; however, detailed clinical information was not provided (PMID: 31456290); Nonsense variant predicted to result in protein truncation or nonsense mediated decay in a gene for which loss of function is a known mechanism of disease; This variant is associated with the following publications: (PMID: 31456290, 35499085)

Blueprint Genetics
Classification: Likely pathogenic for P3H2-related disorders. Last evaluated: 2023-05-11. Review status: criteria provided, single submitter. Criteria: ACMG Guidelines, 2015. Collection method: clinical testing. Allele origin: germline. Affected: yes. Observed: 5 variant alleles.

Department of Pathology and Laboratory Medicine, Sinai Health System
Classification: Likely pathogenic for Myopia, high, with cataract and vitreoretinal degeneration. Last evaluated: 2023-01-27. Review status: criteria provided, single submitter. Criteria: ACMG Guidelines, 2015. Collection method: research. Allele origin: germline.

Laboratorio de Genetica e Diagnostico Molecular, Hospital Israelita Albert Einstein
Classification: Likely pathogenic for Myopia, high, with cataract and vitreoretinal degeneration. Last evaluated: 2022-11-14. Review status: criteria provided, single submitter. Criteria: ACMG Guidelines, 2015. Collection method: clinical testing. Allele origin: germline. Affected: yes. Observed: 1 variant allele.
Comment: ACMG classification criteria: PVS1 very strong, PM2 moderated

Labcorp Genetics (formerly Invitae), Labcorp
Classification: Pathogenic. Last evaluated: 2022-07-09. Review status: criteria provided, single submitter. Criteria: Invitae Variant Classification Sherloc (09022015). Collection method: clinical testing. Allele origin: germline.
Comment: For these reasons, this variant has been classified as Pathogenic. ClinVar contains an entry for this variant (Variation ID: 812364). This premature translational stop signal has been observed in individual(s) with retinitis pigmentosa (PMID: 31456290). This variant is present in population databases (rs377600857, gnomAD 0.02%). This sequence change creates a premature translational stop signal (p.Arg405*) in the P3H2 gene. It is expected to result in an absent or disrupted protein product. Loss-of-function variants in P3H2 are known to be pathogenic (PMID: 24172257, 25469533).

3billion
Classification: Pathogenic for Myopia, high, with cataract and vitreoretinal degeneration. Last evaluated: 2022-01-03. Review status: criteria provided, single submitter. Criteria: ACMG Guidelines, 2015. Collection method: clinical testing. Allele origin: germline. Affected: yes. Observed: 1 homozygote.
Comment: Stop-gained (nonsense): predicted to result in a loss or disruption of normal protein function through nonsense-mediated decay (NMD) or protein truncation. Multiple pathogenic variants are reported downstream of the variant (PVS1_VS). It is observed at an extremely low frequency in the gnomAD v2.1.1 dataset (total allele frequency: 0.000024, PM2_M). The variant has been reported to be associated with P3H2 related disorder (ClinVar ID: VCV000812364). Therefore, this variant is classified as pathogenic according to the recommendation of ACMG/AMP guideline.

Sharon lab, Hadassah-Hebrew University Medical Center
Classification: Pathogenic for Retinitis pigmentosa. Last evaluated: 2019-06-23. Review status: no assertion criteria provided. Collection method: research. Allele origin: inherited. Affected: yes. Not counted in ClinVar's aggregate classification.

Literature cited by the submitters: PubMed 31456290 (cited by Labcorp Genetics (formerly Invitae), Labcorp); PubMed 24172257 (cited by Labcorp Genetics (formerly Invitae), Labcorp); PubMed 25469533 (cited by Labcorp Genetics (formerly Invitae), Labcorp).